The following is an entry in ClinVar:

ClinVar aggregate classification (germline): Uncertain significance (1 of 4 stars; one submission).

Conditions:
Oligodontia-cancer predisposition syndrome. Also called: TOOTH AGENESIS-COLORECTAL CANCER SYNDROME. Identifiers: Orphanet 300576, MedGen C1837750, MONDO:0012075, OMIM 608615. Disease mechanism: loss of function.

Submission:

Labcorp Genetics (formerly Invitae), Labcorp
Classification: Uncertain significance for Oligodontia-cancer predisposition syndrome. Last evaluated: 2024-12-02. Review status: criteria provided, single submitter. Criteria: Invitae Variant Classification Sherloc (09022015). Collection method: clinical testing. Allele origin: germline.
Comment: This sequence change replaces glutamic acid, which is acidic and polar, with glutamine, which is neutral and polar, at codon 647 of the AXIN2 protein (p.Glu647Gln). This variant is not present in population databases (gnomAD no frequency). This variant has not been reported in the literature in individuals affected with AXIN2-related conditions. Invitae Evidence Modeling of protein sequence and biophysical properties (such as structural, functional, and spatial information, amino acid conservation, physicochemical variation, residue mobility, and thermodynamic stability) indicates that this missense variant is not expected to disrupt AXIN2 protein function with a negative predictive value of 80%. In summary, the available evidence is currently insufficient to determine the role of this variant in disease. Therefore, it has been classified as a Variant of Uncertain Significance.

NM_004655.4(AXIN2):c.1939G>C (p.Glu647Gln)

Gene: AXIN2 (axin 2; minus strand). Cytogenetic location: 17q24.1.
Variant type: single nucleotide variant.
Coding change: c.1939G>C on transcript NM_004655.4 (MANE Select); coding-DNA position 1939, G replaced by C.
Protein change: p.Glu647Gln; replaces glutamic acid 647 with glutamine.
Molecular consequence: missense variant.
Genome position (GRCh38, 1-based): chr17:65,536,522, C>G on the plus strand (G>C on the coding strand, the complement: AXIN2 is on the minus strand). VCF-style: chr17-65536522-C-G. GRCh37 (hg19) VCF-style: chr17-63532640-C-G.
Other names: c.1744G>C, p.Glu582Gln (NM_001363813.1); short protein forms E647Q, E582Q.
Identifiers: ClinVar variation 3666119 (VCV003666119.2).